The following is an entry in ClinVar:

NM_001084.5(PLOD3):c.1500+7G>A

Gene: PLOD3 (procollagen-lysine,2-oxoglutarate 5-dioxygenase 3; minus strand). Cytogenetic location: 7q22.1.
Variant type: single nucleotide variant.
Coding change: c.1500+7G>A on transcript NM_001084.5 (MANE Select); 7 bases into the intron after coding-DNA position 1500, G replaced by A.
Molecular consequence: intron variant.
Genome position (GRCh38, 1-based): chr7:101,210,525, C>T on the plus strand (G>A on the coding strand, the complement: PLOD3 is on the minus strand). VCF-style: chr7-101210525-C-T. GRCh37 (hg19) VCF-style: chr7-100853806-C-T.
Other names: c.1500+7G>A (NM_001084.4).
Identifiers: ClinVar variation 1397356 (VCV001397356.10), dbSNP rs375274568, ClinGen allele CA4407659.

ClinVar aggregate classification (germline): Likely benign. Review status: criteria provided, single submitter (1 of 4 stars). 2 submissions from 2 submitters: Likely benign (1). 1 of the submissions does not count toward it. Last evaluated 2026-01-21.

Conditions:
PLOD3-related disorder. Also called: PLOD3-related condition.

Allele frequency attached by ClinVar (database versions not stated): gnomAD 0.00006 and 0.00009; gnomAD exomes 0.00008 and 0.00018; TOPMed 0.00009; ExAC 0.00018; 1000 Genomes Project 0.00060; 1000 Genomes Project 30x 0.00062.

Submissions (2):

Labcorp Genetics (formerly Invitae), Labcorp
Classification: Likely benign. Last evaluated: 2026-01-21. Review status: criteria provided, single submitter. Criteria: Invitae Variant Classification Sherloc (09022015). Collection method: clinical testing. Allele origin: germline.

PreventionGenetics, part of Exact Sciences
Classification: Likely benign for PLOD3-related condition. Last evaluated: 2020-02-26. Review status: no assertion criteria provided. Collection method: clinical testing. Allele origin: germline. Not counted in ClinVar's aggregate classification.
Comment: This variant is classified as likely benign based on ACMG/AMP sequence variant interpretation guidelines (Richards et al. 2015 PMID: 25741868, with internal and published modifications).